The following is an entry in ClinVar:

ClinVar aggregate classification (germline): Uncertain significance (1 of 4 stars; one submission).

Submission:

Labcorp Genetics (formerly Invitae), Labcorp
Classification: Uncertain significance. Last evaluated: 2024-03-27. Review status: criteria provided, single submitter. Criteria: Invitae Variant Classification Sherloc (09022015). Collection method: clinical testing. Allele origin: germline.
Comment: This sequence change replaces histidine, which is basic and polar, with arginine, which is basic and polar, at codon 210 of the LRRC10 protein (p.His210Arg). This variant is present in population databases (rs747882372, gnomAD 0.05%), and has an allele count higher than expected for a pathogenic variant. This variant has not been reported in the literature in individuals affected with LRRC10-related conditions. An algorithm developed to predict the effect of missense changes on protein structure and function (PolyPhen-2) suggests that this variant is likely to be disruptive. In summary, the available evidence is currently insufficient to determine the role of this variant in disease. Therefore, it has been classified as a Variant of Uncertain Significance.

NM_201550.4(LRRC10):c.629A>G (p.His210Arg)

Gene: LRRC10 (leucine rich repeat containing 10; minus strand). Cytogenetic location: 12q15.
Variant type: single nucleotide variant.
Coding change: c.629A>G on transcript NM_201550.4 (MANE Select); coding-DNA position 629, A replaced by G.
Protein change: p.His210Arg; replaces histidine 210 with arginine.
Molecular consequence: missense variant.
Genome position (GRCh38, 1-based): chr12:69,610,210, T>C on the plus strand (A>G on the coding strand, the complement: LRRC10 is on the minus strand). VCF-style: chr12-69610210-T-C. GRCh37 (hg19) VCF-style: chr12-70003990-T-C.
Other names: short protein forms H210R.
Identifiers: ClinVar variation 3674722 (VCV003674722.2).